The following is an entry in ClinVar:

NM_020778.5(ALPK3):c.3148G>T (p.Ala1050Ser)

Gene: ALPK3 (alpha kinase 3; plus strand). Cytogenetic location: 15q25.3.
Variant type: single nucleotide variant.
Coding change: c.3148G>T on transcript NM_020778.5 (MANE Select); coding-DNA position 3148, G replaced by T.
Protein change: p.Ala1050Ser; replaces alanine 1050 with serine.
Molecular consequence: missense variant.
Genome position (GRCh38, 1-based): chr15:84,857,886, G>T. VCF-style: chr15-84857886-G-T. GRCh37 (hg19) VCF-style: chr15-85401117-G-T.
Other names: short protein forms A1050S.
Identifiers: ClinVar variation 3610369 (VCV003610369.2).

ClinVar aggregate classification (germline): Uncertain significance (1 of 4 stars; one submission).

Submission:

Labcorp Genetics (formerly Invitae), Labcorp
Classification: Uncertain significance. Last evaluated: 2024-11-24. Review status: criteria provided, single submitter. Criteria: Invitae Variant Classification Sherloc (09022015). Collection method: clinical testing. Allele origin: germline.
Comment: This sequence change replaces alanine, which is neutral and non-polar, with serine, which is neutral and polar, at codon 1252 of the ALPK3 protein (p.Ala1252Ser). The frequency data for this variant in the population databases is considered unreliable, as metrics indicate poor data quality at this position in the gnomAD database. This variant has not been reported in the literature in individuals affected with ALPK3-related conditions. Invitae Evidence Modeling of protein sequence and biophysical properties (such as structural, functional, and spatial information, amino acid conservation, physicochemical variation, residue mobility, and thermodynamic stability) indicates that this missense variant is expected to disrupt ALPK3 protein function with a positive predictive value of 80%. In summary, the available evidence is currently insufficient to determine the role of this variant in disease. Therefore, it has been classified as a Variant of Uncertain Significance.